The following is an entry in ClinVar:

ClinVar aggregate classification (germline): Pathogenic. Review status: criteria provided, multiple submitters, no conflicts (2 of 4 stars). 2 submissions from 2 submitters: Pathogenic (2). Last evaluated 2024-01-24.

Conditions:
Neuronopathy, distal hereditary motor, autosomal recessive 5. Also called: Spinal muscular atrophy, distal, autosomal recessive, 5; NEUROPATHY, DISTAL HEREDITARY MOTOR, AUTOSOMAL RECESSIVE 5; Young adult-onset distal hereditary motor neuropathy. Identifiers: Orphanet 314485, Orphanet 443950, MedGen C4749918, MONDO:0013947, OMIM 614881.

Submissions (2):

Kariminejad - Najmabadi Pathology & Genetics Center
Classification: Pathogenic for Neuronopathy, distal hereditary motor, autosomal recessive 5. Last evaluated: 2024-01-24. Review status: criteria provided, single submitter. Criteria: ACMG Guidelines, 2015. Collection method: clinical testing. Allele origin: germline. Inheritance: Autosomal recessive inheritance. Affected: yes.
Comment: PVS1,PM2,PP5

Labcorp Genetics (formerly Invitae), Labcorp
Classification: Pathogenic for Neuronopathy, distal hereditary motor, autosomal recessive 5. Last evaluated: 2022-11-15. Review status: criteria provided, single submitter. Criteria: Invitae Variant Classification Sherloc (09022015). Collection method: clinical testing. Allele origin: germline.
Comment: For these reasons, this variant has been classified as Pathogenic. This variant has not been reported in the literature in individuals affected with DNAJB2-related conditions. This variant is not present in population databases (gnomAD no frequency). This sequence change creates a premature translational stop signal (p.Glu40Valfs*3) in the DNAJB2 gene. It is expected to result in an absent or disrupted protein product. Loss-of-function variants in DNAJB2 are known to be pathogenic (PMID: 22522442, 25274842).

Literature cited by the submitters: PubMed 22522442 (cited by Labcorp Genetics (formerly Invitae), Labcorp); PubMed 25274842 (cited by Labcorp Genetics (formerly Invitae), Labcorp).

NM_006736.6(DNAJB2):c.119_120del (p.Glu40fs)

Gene: DNAJB2 (DnaJ heat shock protein family (Hsp40) member B2; plus strand). Cytogenetic location: 2q35.
Variant type: Microsatellite.
Coding change: c.119_120del on transcript NM_006736.6 (MANE Select); coding-DNA positions 119 to 120, 2 bases deleted (AG; older notation c.119_120delAG).
Protein change: p.Glu40fs; shifts the reading frame from glutamic acid 40.
Molecular consequence: frameshift variant.
Genome position (GRCh38, 1-based): chr2:219,280,631-219,280,632, AG deleted; deleting any 2 consecutive bases within chr2:219,280,629-219,280,632 gives the same sequence; the c. name uses the placement nearest the transcript's 3' end. VCF-style (leftmost placement, unchanged base first): chr2-219280628-AAG-A. GRCh37 (hg19) VCF-style: chr2-220145350-AAG-A.
Other names: c.119_120del, p.Glu40fs (NM_001039550.2); short protein forms E40fs.
Identifiers: ClinVar variation 1441902 (VCV001441902.7), dbSNP rs2125081805, ClinGen allele CA2580616701.